The following is an entry in ClinVar:

NM_000717.5(CA4):c.451A>G (p.Arg151Gly)

Gene: CA4 (carbonic anhydrase 4; plus strand). Cytogenetic location: 17q23.1.
Variant type: single nucleotide variant.
Coding change: c.451A>G on transcript NM_000717.5 (MANE Select); coding-DNA position 451, A replaced by G.
Protein change: p.Arg151Gly; replaces arginine 151 with glycine.
Molecular consequence: missense variant. On other transcripts: non-coding transcript variant (1).
Genome position (GRCh38, 1-based): chr17:60,157,726, A>G. VCF-style: chr17-60157726-A-G. GRCh37 (hg19) VCF-style: chr17-58235087-A-G.
Other names: short protein forms R151G.
Identifiers: ClinVar variation 1377049 (VCV001377049.6), dbSNP rs774987740, ClinGen allele CA8685366.

ClinVar aggregate classification (germline): Uncertain significance (1 of 4 stars; one submission).

Allele frequency attached by ClinVar (database versions not stated): gnomAD exomes below 0.00001 and 0.00001; gnomAD 0.00002; ExAC 0.00001; TOPMed 0.00004.
gnomAD v4.1: 5 of 1,613,988 alleles (0.00031%); highest among the groups gnomAD compares: African/African-American, 0.004%; no homozygotes.

Submission:

Labcorp Genetics (formerly Invitae), Labcorp
Classification: Uncertain significance. Last evaluated: 2025-07-28. Review status: criteria provided, single submitter. Criteria: Invitae Variant Classification Sherloc (09022015). Collection method: clinical testing. Allele origin: germline.
Comment: This sequence change replaces arginine with glycine at codon 151 of the CA4 protein (p.Arg151Gly). The arginine residue is weakly conserved and there is a moderate physicochemical difference between arginine and glycine. This variant is present in population databases (rs774987740, gnomAD 0.01%). This variant has not been reported in the literature in individuals affected with CA4-related conditions. ClinVar contains an entry for this variant (Variation ID: 1377049). An algorithm developed to predict the effect of missense changes on protein structure and function outputs the following: PolyPhen-2: "Benign". The glycine amino acid residue is found in multiple mammalian species, which suggests that this missense change does not adversely affect protein function. In summary, the available evidence is currently insufficient to determine the role of this variant in disease. Therefore, it has been classified as a Variant of Uncertain Significance.